The following is an entry in ClinVar:

ClinVar aggregate classification (germline): Uncertain significance (1 of 4 stars; one submission).

Allele frequency attached by ClinVar (database versions not stated): gnomAD exomes below 0.00001; TOPMed below 0.00001.

Submission:

Labcorp Genetics (formerly Invitae), Labcorp
Classification: Uncertain significance. Last evaluated: 2022-10-25. Review status: criteria provided, single submitter. Criteria: Invitae Variant Classification Sherloc (09022015). Collection method: clinical testing. Allele origin: germline.
Comment: This variant is not present in population databases (gnomAD no frequency). In summary, the available evidence is currently insufficient to determine the role of this variant in disease. Therefore, it has been classified as a Variant of Uncertain Significance. Algorithms developed to predict the effect of missense changes on protein structure and function are either unavailable or do not agree on the potential impact of this missense change (SIFT: "Deleterious"; PolyPhen-2: "Benign"; Align-GVGD: "Class C0"). This variant has not been reported in the literature in individuals affected with INPPL1-related conditions. This sequence change replaces glycine, which is neutral and non-polar, with serine, which is neutral and polar, at codon 1221 of the INPPL1 protein (p.Gly1221Ser).

NM_001567.4(INPPL1):c.3661G>A (p.Gly1221Ser)

Gene: INPPL1 (inositol polyphosphate phosphatase like 1; plus strand). Cytogenetic location: 11q13.4.
Variant type: single nucleotide variant.
Coding change: c.3661G>A on transcript NM_001567.4 (MANE Select); coding-DNA position 3661, G replaced by A.
Protein change: p.Gly1221Ser; replaces glycine 1221 with serine.
Molecular consequence: missense variant.
Genome position (GRCh38, 1-based): chr11:72,238,150, G>A. VCF-style: chr11-72238150-G-A. GRCh37 (hg19) VCF-style: chr11-71949194-G-A.
Other names: short protein forms G1221S.
Identifiers: ClinVar variation 2106006 (VCV002106006.4), dbSNP rs1949051878, ClinGen allele CA381740429.